The following is an entry in ClinVar:

NM_018979.4(WNK1):c.2328_2329delinsAT (p.Pro777Ser)

Gene: WNK1 (WNK lysine deficient protein kinase 1; plus strand). Cytogenetic location: 12p13.33.
Variant type: Indel.
Coding change: c.2328_2329delinsAT on transcript NM_018979.4 (MANE Select); coding-DNA positions 2328 to 2329, GC replaced by AT.
Protein change: p.Pro777Ser; replaces proline 777 with serine.
Molecular consequence: missense variant.
Genome position (GRCh38, 1-based): chr12:878,316-878,317, GC replaced by AT. VCF-style: chr12-878316-GC-AT. GRCh37 (hg19) VCF-style: chr12-987482-GC-AT.
Other names: c.3567_3568delinsAT, p.Pro1190Ser (NM_001184985.2); c.2325_2326delinsAT, p.Pro776Ser (NM_014823.3); c.3822_3823delinsAT, p.Pro1275Ser (NM_213655.5); short protein forms P1190S, P776S, P1275S, P777S.
Identifiers: ClinVar variation 1911937 (VCV001911937.5), dbSNP rs2548919536, ClinGen allele CA2580086213.

ClinVar aggregate classification (germline): Uncertain significance (1 of 4 stars; one submission).

Conditions:
Pseudohypoaldosteronism type 2C (PHA2C). Also called: Pseudohypoaldosteronism Type IIC. Identifiers: Orphanet 757, Orphanet 88940, MedGen C1840391, MONDO:0013778, OMIM 614492.
Neuropathy, hereditary sensory and autonomic, type 2A (HSAN2A). Also called: ACROOSTEOLYSIS, GIACCAI TYPE; ACROOSTEOLYSIS, NEUROGENIC; MORVAN DISEASE; NEUROPATHY, CONGENITAL SENSORY; NEUROPATHY, HEREDITARY SENSORY RADICULAR, AUTOSOMAL RECESSIVE; HSAN IIA. Identifiers: Orphanet 970, MedGen C2752089, MONDO:0024309, OMIM 201300.

Submission:

Labcorp Genetics (formerly Invitae), Labcorp
Classification: Uncertain significance for Neuropathy, hereditary sensory and autonomic, type 2A; Pseudohypoaldosteronism type 2C. Last evaluated: 2022-09-23. Review status: criteria provided, single submitter. Criteria: Invitae Variant Classification Sherloc (09022015). Collection method: clinical testing. Allele origin: germline.
Comment: This sequence change replaces proline, which is neutral and non-polar, with serine, which is neutral and polar, at codon 1275 of the WNK1 protein (p.Pro1275Ser). In summary, the available evidence is currently insufficient to determine the role of this variant in disease. Therefore, it has been classified as a Variant of Uncertain Significance. Experimental studies and prediction algorithms are not available or were not evaluated, and the functional significance of this variant is currently unknown. This variant has not been reported in the literature in individuals affected with WNK1-related conditions. Information on the frequency of this variant in the gnomAD database is not available, as this variant may be reported differently in the database.